The following is an entry in ClinVar:

ClinVar aggregate classification (germline): Uncertain significance (1 of 4 stars; one submission).

Conditions:
Aicardi-Goutieres syndrome 5. Identifiers: Orphanet 51, MedGen C2749659, MONDO:0013059, OMIM 612952.

Submission:

Labcorp Genetics (formerly Invitae), Labcorp
Classification: Uncertain significance for Aicardi-Goutieres syndrome 5. Last evaluated: 2022-07-06. Review status: criteria provided, single submitter. Criteria: Invitae Variant Classification Sherloc (09022015). Collection method: clinical testing. Allele origin: germline.
Comment: In summary, the available evidence is currently insufficient to determine the role of this variant in disease. Therefore, it has been classified as a Variant of Uncertain Significance. Algorithms developed to predict the effect of missense changes on protein structure and function are either unavailable or do not agree on the potential impact of this missense change (SIFT: "Deleterious"; PolyPhen-2: "Benign"; Align-GVGD: "Class C0"). ClinVar contains an entry for this variant (Variation ID: 1523957). This variant has not been reported in the literature in individuals affected with SAMHD1-related conditions. This variant is not present in population databases (gnomAD no frequency). This sequence change replaces asparagine, which is neutral and polar, with tyrosine, which is neutral and polar, at codon 535 of the SAMHD1 protein (p.Asn535Tyr).

NM_015474.4(SAMHD1):c.1603A>T (p.Asn535Tyr)

Gene: SAMHD1 (SAM and HD domain containing deoxynucleoside triphosphate triphosphohydrolase 1; minus strand). Cytogenetic location: 20q11.23.
Variant type: single nucleotide variant.
Coding change: c.1603A>T on transcript NM_015474.4 (MANE Select); coding-DNA position 1603, A replaced by T.
Protein change: p.Asn535Tyr; replaces asparagine 535 with tyrosine.
Molecular consequence: missense variant. On other transcripts: intron variant (1).
Genome position (GRCh38, 1-based): chr20:36,898,445, T>A on the plus strand (A>T on the coding strand, the complement: SAMHD1 is on the minus strand). VCF-style: chr20-36898445-T-A. GRCh37 (hg19) VCF-style: chr20-35526848-T-A.
Other names: c.1603A>T, p.Asn535Tyr (NM_001363733.2); c.1504-486A>T (NM_001363729.2); short protein forms N535Y.
Identifiers: ClinVar variation 1523957 (VCV001523957.8), dbSNP rs2148355943, ClinGen allele CA408840047.